The following is an entry in ClinVar:

NM_007294.4(BRCA1):c.8T>C (p.Leu3Ser)

Gene: BRCA1 (BRCA1 DNA repair associated; minus strand). Cytogenetic location: 17q21.31.
Variant type: single nucleotide variant.
Coding change: c.8T>C on transcript NM_007294.4 (MANE Select); coding-DNA position 8, T replaced by C.
Protein change: p.Leu3Ser; replaces leucine 3 with serine.
Molecular consequence: missense variant. On other transcripts: 5 prime UTR variant (1), non-coding transcript variant (1).
Genome position (GRCh38, 1-based): chr17:43,124,089, A>G on the plus strand (T>C on the coding strand, the complement: BRCA1 is on the minus strand). VCF-style: chr17-43124089-A-G. GRCh37 (hg19) VCF-style: chr17-41276106-A-G.
Other names: c.-181T>C (NM_001407571.1, NM_001407853.1, NM_001407879.1 and 46 more transcripts); c.8T>C, p.Leu3Ser (NM_001407581.1, NM_001407582.1, NM_001407583.1 and 193 more transcripts); c.-250T>C (NM_001407694.1, NM_001407724.1, NM_001407727.1 and 11 more transcripts); c.-254T>C (NM_001407695.1, NM_001408465.1); c.-395T>C (NM_001407696.1); c.-279T>C (NM_001407697.1, NM_001407846.1, NM_001407920.1); c.-80T>C (NM_001407698.1, NM_001407732.1, NM_001407736.1 and 23 more transcripts); c.-253T>C (NM_001407725.1, NM_001407730.1, NM_001407734.1 and 22 more transcripts); and 8 more; short protein forms L3S.
Identifiers: ClinVar variation 869066 (VCV000869066.9), dbSNP rs397509332, ClinGen allele CA059922.

ClinVar aggregate classification (germline): Uncertain significance (1 of 4 stars; one submission).

Conditions:
Hereditary breast ovarian cancer syndrome. Also called: Hereditary breast and ovarian cancer; Hereditary breast and ovarian cancer syndrome (HBOC); Breast and ovarian cancer; Hereditary breast and/or ovarian cancer syndrome; BRCA1- and BRCA2-Associated Hereditary Breast and Ovarian Cancer; Hereditary breast and ovarian cancer syndrome. Identifiers: Orphanet 145, MedGen C0677776, MeSH D061325, MONDO:0003582. Disease mechanism: loss of function.

Allele frequency attached by ClinVar (database versions not stated): gnomAD exomes below 0.00001; ExAC 0.00001.
gnomAD v4.1: 1 of 1,613,088 alleles (0.000062%); no homozygotes.

Submissions (2):

Labcorp Genetics (formerly Invitae), Labcorp
Classification: Uncertain significance for Hereditary breast ovarian cancer syndrome. Last evaluated: 2021-10-04. Review status: criteria provided, single submitter. Criteria: Invitae Variant Classification Sherloc (09022015). Collection method: clinical testing. Allele origin: germline.
Comment: This variant has not been reported in the literature in individuals affected with BRCA1-related conditions. In summary, the available evidence is currently insufficient to determine the role of this variant in disease. Therefore, it has been classified as a Variant of Uncertain Significance. Experimental studies have shown that this missense change does not substantially affect BRCA1 function (PMID: 30209399). Advanced modeling of experimental studies (such as gene expression, population dynamics, functional pathways, and cell-cycle effects in cell culture) performed at Invitae indicates that this missense variant is not expected to disrupt BRCA1 protein function. ClinVar contains an entry for this variant (Variation ID: 869066). This variant is present in population databases (rs397509332, ExAC 0.02%). This sequence change replaces leucine with serine at codon 3 of the BRCA1 protein (p.Leu3Ser). The leucine residue is moderately conserved and there is a large physicochemical difference between leucine and serine.

Brotman Baty Institute, University of Washington
No classification provided (evidence only). Condition: Breast-ovarian cancer, familial 1. Review status: no classification provided. Collection method: in vitro. Allele origin: not applicable. Functional consequence: functionally_normal. Not counted in ClinVar's aggregate classification.
ClinVar note: "not provided" was previously submitted as the classification for the variant. However, the classification appeared to be based only on an observation of functional data so it was converted to no classification on 2025-07-30.

Literature cited by the submitters: PubMed 30209399 (cited by Labcorp Genetics (formerly Invitae), Labcorp).